The following is an entry in ClinVar:

ClinVar aggregate classification (germline): Likely benign. Review status: criteria provided, multiple submitters, no conflicts (2 of 4 stars). 3 submissions from 3 submitters: Likely benign (2). 1 of the submissions does not count toward it. Last evaluated 2025-07-07.

Conditions:
Hereditary breast ovarian cancer syndrome. Also called: Breast and ovarian cancer; Hereditary breast and/or ovarian cancer syndrome; Hereditary breast and ovarian cancer; Hereditary breast and ovarian cancer syndrome; Hereditary breast and ovarian cancer syndrome (HBOC); BRCA1- and BRCA2-Associated Hereditary Breast and Ovarian Cancer. Identifiers: Orphanet 145, MedGen C0677776, MeSH D061325, MONDO:0003582. Disease mechanism: loss of function.
Breast-ovarian cancer, familial, susceptibility to, 2 (BROVCA2). Also called: BRCA2 Hereditary Breast and Ovarian Cancer. Identifiers: Orphanet 145, MedGen C2675520, MONDO:0012933, OMIM 612555. Disease mechanism: loss of function.

Allele frequency attached by ClinVar (database versions not stated): gnomAD exomes below 0.00001; TOPMed below 0.00001.
gnomAD v4.1: 1 of 1,604,418 alleles (0.000062%); highest among the groups gnomAD compares: Non-Finnish European, 0.000085%; no homozygotes.

Submissions (3):

Labcorp Genetics (formerly Invitae), Labcorp
Classification: Likely benign for Hereditary breast ovarian cancer syndrome. Last evaluated: 2025-07-07. Review status: criteria provided, single submitter. Criteria: Invitae Variant Classification Sherloc (09022015). Collection method: clinical testing. Allele origin: germline.

GeneDx
Classification: Likely benign. Last evaluated: 2017-07-05. Review status: criteria provided, single submitter. Criteria: GeneDx Variant Classification (06012015). Collection method: clinical testing. Allele origin: germline. Affected: yes.
Comment: This variant is considered likely benign or benign based on one or more of the following criteria: it is a conservative change, it occurs at a poorly conserved position in the protein, it is predicted to be benign by multiple in silico algorithms, and/or has population frequency not consistent with disease.

Sharing Clinical Reports Project (SCRP)
Classification: Likely benign for Breast-ovarian cancer, familial 2. Last evaluated: 2012-05-01. Review status: no assertion criteria provided. Collection method: clinical testing. Allele origin: germline. Not counted in ClinVar's aggregate classification.

NM_000059.4(BRCA2):c.8487+10A>G

Gene: BRCA2 (BRCA2 DNA repair associated; plus strand). Cytogenetic location: 13q13.1.
Variant type: single nucleotide variant.
Coding change: c.8487+10A>G on transcript NM_000059.4 (MANE Select); 10 bases into the intron after coding-DNA position 8487, A replaced by G.
Molecular consequence: intron variant.
Genome position (GRCh38, 1-based): chr13:32,370,567, A>G. VCF-style: chr13-32370567-A-G. GRCh37 (hg19) VCF-style: chr13-32944704-A-G.
Other names: IVS19+10A>G.
Identifiers: ClinVar variation 96869 (VCV000096869.13), dbSNP rs431825367, ClinGen allele CA025668.